The following is an entry in ClinVar:

NM_024753.5(TTC21B):c.615C>T (p.Ile205=)

Genes: TTC21B (tetratricopeptide repeat domain 21B; minus strand), TTC21B-AS1 (TTC21B antisense RNA 1; plus strand). Cytogenetic location: 2q24.3.
Variant type: single nucleotide variant.
Coding change: c.615C>T on transcript NM_024753.5 (MANE Select); coding-DNA position 615, C replaced by T.
Protein change: p.Ile205=; no amino-acid change (isoleucine 205 retained).
Molecular consequence: synonymous variant.
Genome position (GRCh38, 1-based): chr2:165,941,122, G>A on the plus strand (C>T on the coding strand, the complement: TTC21B is on the minus strand). VCF-style: chr2-165941122-G-A. GRCh37 (hg19) VCF-style: chr2-166797632-G-A.
Other names: c.615C>T (NM_024753.4).
Identifiers: ClinVar variation 2151319 (VCV002151319.5), dbSNP rs143998499, ClinGen allele CA1942385.

ClinVar aggregate classification (germline): Likely benign. Review status: criteria provided, multiple submitters, no conflicts (2 of 4 stars). 2 submissions from 2 submitters: Likely benign (2). Last evaluated 2025-05-06.

Conditions:
TTC21B-related disorder. Also called: TTC21B-related condition; TTC21B-related disorders.
Jeune thoracic dystrophy. Also called: Short-rib thoracic dysplasia; Jeune syndrome; Infantile thoracic dystrophy; Thoracic pelvic phalangeal dystrophy; Jeune's syndrome; Chondroectodermal dysplasia-like syndrome. Identifiers: Orphanet 474, MedGen C0265275, MONDO:0018770.
Nephronophthisis. Also called: Juvenile Nephronophthisis. Identifiers: Orphanet 655, MedGen C0687120, MONDO:0019005, HP:0000090.

Allele frequency attached by ClinVar (database versions not stated): ExAC 0.00002; ESP Exome Variant Server 0.00008.
gnomAD v4.1: 17 of 1,613,700 alleles (0.0011%); highest among the groups gnomAD compares: Middle Eastern, 0.016%; no homozygotes.

Submissions (2):

PreventionGenetics, part of Exact Sciences
Classification: Likely benign for TTC21B-related condition. Last evaluated: 2025-05-06. Review status: criteria provided, single submitter. Criteria: ACMG Guidelines, 2015. Collection method: clinical testing. Allele origin: germline.
Comment: This variant is classified as likely benign based on ACMG/AMP sequence variant interpretation guidelines (Richards et al. 2015 PMID: 25741868, with internal and published modifications).

Labcorp Genetics (formerly Invitae), Labcorp
Classification: Likely benign for Jeune thoracic dystrophy; Nephronophthisis. Last evaluated: 2023-06-23. Review status: criteria provided, single submitter. Criteria: Invitae Variant Classification Sherloc (09022015). Collection method: clinical testing. Allele origin: germline.